The following is an entry in ClinVar:

ClinVar aggregate classification (germline): Uncertain significance (1 of 4 stars; one submission).

Conditions:
Dilated cardiomyopathy 1G (CMD1G). Identifiers: Orphanet 154, MedGen C1858763, MONDO:0011400, OMIM 604145.
Autosomal recessive limb-girdle muscular dystrophy type 2J (LGMDR10). Also called: Limb-girdle muscular dystrophy, type 2J; MUSCULAR DYSTROPHY, LIMB-GIRDLE, AUTOSOMAL RECESSIVE 10. Identifiers: Orphanet 140922, MedGen C1837342, MONDO:0012127, OMIM 608807.

Allele frequency attached by ClinVar (database versions not stated): gnomAD exomes below 0.00001.
gnomAD v4.1: 1 of 1,613,900 alleles (0.000062%); highest among the groups gnomAD compares: Non-Finnish European, 0.000085%; no homozygotes.

Submission:

Labcorp Genetics (formerly Invitae), Labcorp
Classification: Uncertain significance for Dilated cardiomyopathy 1G; Autosomal recessive limb-girdle muscular dystrophy type 2J. Last evaluated: 2022-05-18. Review status: criteria provided, single submitter. Criteria: Invitae Variant Classification Sherloc (09022015). Collection method: clinical testing. Allele origin: germline.
Comment: Experimental studies and prediction algorithms are not available or were not evaluated, and the functional significance of this variant is currently unknown. This sequence change replaces serine, which is neutral and polar, with alanine, which is neutral and non-polar, at codon 35579 of the TTN protein (p.Ser35579Ala). This variant is not present in population databases (gnomAD no frequency). This variant has not been reported in the literature in individuals affected with TTN-related conditions. In summary, the available evidence is currently insufficient to determine the role of this variant in disease. Therefore, it has been classified as a Variant of Uncertain Significance. This variant is located in the M band of TTN (PMID: 25589632). Variants in this region may be relevant for neuromuscular disorders, but have not been definitively shown to cause cardiomyopathy (PMID: 23975875).

Literature cited by the submitters: PubMed 25589632; PubMed 23975875.

NM_001267550.2(TTN):c.106735T>G (p.Ser35579Ala)

Genes: TTN (titin; minus strand), TTN-AS1 (TTN antisense RNA 1; plus strand). Cytogenetic location: 2q31.2.
Variant type: single nucleotide variant.
Coding change: c.106735T>G on transcript NM_001267550.2 (MANE Select); coding-DNA position 106735, T replaced by G.
Protein change: p.Ser35579Ala; replaces serine 35579 with alanine.
Molecular consequence: missense variant.
Genome position (GRCh38, 1-based): chr2:178,529,016, A>C on the plus strand (T>G on the coding strand, the complement: TTN is on the minus strand). VCF-style: chr2-178529016-A-C. GRCh37 (hg19) VCF-style: chr2-179393743-A-C.
Other names: c.101812T>G, p.Ser33938Ala (NM_001256850.1); c.79540T>G, p.Ser26514Ala (NM_003319.4); c.99031T>G, p.Ser33011Ala (NM_133378.4); c.79915T>G, p.Ser26639Ala (NM_133432.3); c.80116T>G, p.Ser26706Ala (NM_133437.4); short protein forms S26514A, S33938A, S35579A, S26706A, S26639A, S33011A.
Identifiers: ClinVar variation 1996214 (VCV001996214.4), dbSNP rs2468308447, ClinGen allele CA349403325.